The following is an entry in ClinVar:

ClinVar aggregate classification (germline): Conflicting classifications of pathogenicity. Review status: criteria provided, conflicting classifications (1 of 4 stars). 9 submissions from 8 submitters: Uncertain significance (1); Likely benign (6). 2 of the submissions do not count toward it. Last evaluated 2026-02-02.

Conditions:
Catecholaminergic polymorphic ventricular tachycardia 1. Also called: VENTRICULAR TACHYCARDIA, CATECHOLAMINERGIC POLYMORPHIC, 1, WITH OR WITHOUT ATRIAL DYSFUNCTION AND/OR DILATED CARDIOMYOPATHY; RYR2-Related Catecholaminergic Polymorphic Ventricular Tachycardia; VENTRICULAR TACHYCARDIA, STRESS-INDUCED POLYMORPHIC 1. Identifiers: Orphanet 3286, MedGen C1631597, MONDO:0011484, OMIM 604772.
Catecholaminergic polymorphic ventricular tachycardia (CVPT). Also called: Catecholamine-induced polymorphic ventricular tachycardia. Identifiers: Orphanet 3286, MedGen C5574922, MONDO:0017990.
Cardiomyopathy (CMYO). Also called: Cardiomyopathies. Identifiers: Orphanet 167848, MedGen C0878544, MONDO:0004994, HP:0001638. Inheritance: Various modes of inheritance.
Arrhythmogenic right ventricular dysplasia 2. Identifiers: MedGen C1832931.

Allele frequency attached by ClinVar (database versions not stated): ExAC 0.00002; gnomAD exomes 0.00003 and 0.00004; ESP Exome Variant Server 0.00008; gnomAD 0.00020 and 0.00021; TOPMed 0.00020; 1000 Genomes Project 30x 0.00047; 1000 Genomes Project 0.00060.
gnomAD v4.1: 85 of 1,613,182 alleles (0.0053%); highest among the groups gnomAD compares: Middle Eastern, 0.083%; no homozygotes.

Submissions (9):

Labcorp Genetics (formerly Invitae), Labcorp
Classification: Likely benign for Catecholaminergic polymorphic ventricular tachycardia 1. Last evaluated: 2026-02-02. Review status: criteria provided, single submitter. Criteria: Invitae Variant Classification Sherloc (09022015). Collection method: clinical testing. Allele origin: germline.

Blueprint Genetics
Classification: Likely benign. Last evaluated: 2024-08-20. Review status: criteria provided, single submitter. Criteria: ACMG Guidelines, 2015. Collection method: clinical testing. Allele origin: germline.

All of Us Research Program, National Institutes of Health
Classification: Likely benign for Catecholaminergic polymorphic ventricular tachycardia. Last evaluated: 2024-02-05. Review status: criteria provided, single submitter. Criteria: ACMG Guidelines, 2015. Collection method: clinical testing. Allele origin: germline. Inheritance: Autosomal dominant inheritance. Observed: 9 variant alleles, 9 heterozygotes.
Comment: This study involves interpretation of variants in research participants for the purpose of population health screening. Participant phenotype was not available at the time of variant classification. Additional details can be found in publication PMID: 35346344, PMCID: PMC8962531

Color Diagnostics, LLC DBA Color Health
Classification: Likely benign for Cardiomyopathy. Last evaluated: 2018-12-03. Review status: criteria provided, single submitter. Criteria: ACMG Guidelines, 2015. Collection method: clinical testing. Allele origin: germline.

Illumina Laboratory Services, Illumina
Classification: Likely benign for Catecholaminergic polymorphic ventricular tachycardia 1. Last evaluated: 2018-01-13. Review status: criteria provided, single submitter. Criteria: ICSL Variant Classification Criteria 13 December 2019. Collection method: clinical testing. Allele origin: germline.
Comment: This variant was observed in the ICSL laboratory as part of a predisposition screen in an ostensibly healthy population. It had not been previously curated by ICSL or reported in the Human Gene Mutation Database (HGMD: prior to June 1st, 2018), and was therefore a candidate for classification through an automated scoring system. Utilizing variant allele frequency, disease prevalence and penetrance estimates, and inheritance mode, an automated score was calculated to assess if this variant is too frequent to cause the disease. Based on the score and internal cut-off values, a variant classified as likely benign is not then subjected to further curation. The score for this variant resulted in a classification of likely benign for this disease.

Illumina Laboratory Services, Illumina
Classification: Uncertain significance for Catecholaminergic polymorphic ventricular tachycardia 1. Last evaluated: 2018-01-13. Review status: criteria provided, single submitter. Criteria: ICSL Variant Classification Criteria 13 December 2019. Collection method: clinical testing. Allele origin: germline.

GeneDx
Classification: Likely benign. Last evaluated: 2016-11-01. Review status: criteria provided, single submitter. Criteria: GeneDx Variant Classification (06012015). Collection method: clinical testing. Allele origin: germline. Affected: yes.
Comment: This variant is considered likely benign or benign based on one or more of the following criteria: it is a conservative change, it occurs at a poorly conserved position in the protein, it is predicted to be benign by multiple in silico algorithms, and/or has population frequency not consistent with disease.

Clinical Genetics, Academic Medical Center
Classification: Likely benign. Review status: no assertion criteria provided. Collection method: clinical testing. Allele origin: germline. Affected: yes. Study: VKGL Data-share Consensus. Not counted in ClinVar's aggregate classification.

Joint Genome Diagnostic Labs from Nijmegen and Maastricht, Radboudumc and MUMC+
Classification: Likely benign. Review status: no assertion criteria provided. Collection method: clinical testing. Allele origin: germline. Affected: yes. Study: VKGL Data-share Consensus. Not counted in ClinVar's aggregate classification.

NM_001035.3(RYR2):c.577-14G>A

Gene: RYR2 (ryanodine receptor 2; plus strand). Cytogenetic location: 1q43.
Variant type: single nucleotide variant.
Coding change: c.577-14G>A on transcript NM_001035.3 (MANE Select); 14 bases into the intron before coding-DNA position 577, G replaced by A.
Molecular consequence: intron variant.
Genome position (GRCh38, 1-based): chr1:237,387,267, G>A. VCF-style: chr1-237387267-G-A. GRCh37 (hg19) VCF-style: chr1-237550567-G-A.
Other names: c.577-14G>A (LRG_402t1).
Identifiers: ClinVar variation 296702 (VCV000296702.22), dbSNP rs148019277, ClinGen allele CA086965.